The following is an entry in ClinVar:

ClinVar aggregate classification (germline): Pathogenic (1 of 4 stars; one submission).

Conditions:
Charlevoix-Saguenay spastic ataxia (SACS). Also called: SPASTIC ATAXIA 6, AUTOSOMAL RECESSIVE; AUTOSOMAL RECESSIVE SPASTIC ATAXIA OF CHARLEVOIX-SAGUENAY; Spastic ataxia of Charlevoix-Saguenay. Identifiers: Orphanet 98, MedGen C1849140, MONDO:0010041, OMIM 270550.

Submission:

Myriad Genetics, Inc.
Classification: Pathogenic for Charlevoix-Saguenay spastic ataxia. Last evaluated: 2025-10-15. Review status: criteria provided, single submitter. Criteria: Myriad Autosomal Dominant, Autosomal Recessive and X-Linked Classification Criteria (2023). Collection method: clinical testing. Allele origin: unknown.
Comment: NM_014363.4(SACS):c.12531C>A(Y4177*) is a nonsense variant classified as pathogenic in the context of autosomal recessive spastic ataxia of Charlevoix-Saguenay. Y4177* has not been observed in cases with relevant disease. Relevant functional assessments of this variant are not available in the literature. Y4177* has not been observed in referenced population frequency databases. In summary, NM_014363.4(SACS):c.12531C>A(Y4177*) is a nonsense variant in a gene where loss of function is a known mechanism of disease and is predicted to disrupt protein function. Please note: this variant was assessed in the context of healthy population screening.

NM_014363.6(SACS):c.12531C>A (p.Tyr4177Ter)

Gene: SACS (sacsin molecular chaperone; minus strand). Cytogenetic location: 13q12.12.
Variant type: single nucleotide variant.
Coding change: c.12531C>A on transcript NM_014363.6 (MANE Select); coding-DNA position 12531, C replaced by A.
Protein change: p.Tyr4177Ter; replaces tyrosine 4177 with a stop codon.
Molecular consequence: nonsense.
Genome position (GRCh38, 1-based): chr13:23,331,345, G>T on the plus strand (C>A on the coding strand, the complement: SACS is on the minus strand). VCF-style: chr13-23331345-G-T. GRCh37 (hg19) VCF-style: chr13-23905484-G-T.
Other names: c.12090C>A, p.Tyr4030Ter (NM_001278055.2); c.12558C>A, p.Tyr4186Ter (NM_001437336.1); short protein forms Y4030*, Y4177*, Y4186*.
Identifiers: ClinVar variation 5003966 (VCV005003966.1).